The following is an entry in ClinVar:

NM_015215.4(CAMTA1):c.1375A>G (p.Asn459Asp)

Gene: CAMTA1 (calmodulin binding transcription activator 1; plus strand). Cytogenetic location: 1p36.23.
Variant type: single nucleotide variant.
Coding change: c.1375A>G on transcript NM_015215.4 (MANE Select); coding-DNA position 1375, A replaced by G.
Protein change: p.Asn459Asp; replaces asparagine 459 with aspartic acid.
Molecular consequence: missense variant.
Genome position (GRCh38, 1-based): chr1:7,663,922, A>G. VCF-style: chr1-7663922-A-G. GRCh37 (hg19) VCF-style: chr1-7723982-A-G.
Other names: c.1285A>G, p.Asn429Asp (NM_001349608.2, NM_001349612.2); c.1375A>G, p.Asn459Asp (NM_001349609.2, NM_001349610.2, NM_001410737.1); c.1303A>G, p.Asn435Asp (NM_001410738.1); short protein forms N429D, N435D, N459D.
Identifiers: ClinVar variation 2778376 (VCV002778376.3), dbSNP rs2095981813, ClinGen allele CA338127087.
Genomic context (GRCh38, chr1:7,663,922, plus strand): 5'-GGCCACAAGTTCGCCTTTCCCACCACGGGCAGCTCGGAGAGCCTGTCCATGCTGCCCACC[A>G]ACGTGTCCGAAGAGCTGGTCCTCTCCACCACCCTCGACGGTGGCCGGAAGATTCCAGAAA-3'
Protein context (NP_056030.1, residues 449-469): SSESLSMLPT[Asn459Asp]VSEELVLSTT

ClinVar aggregate classification (germline): Uncertain significance (1 of 4 stars; one submission).

Allele frequency attached by ClinVar (database versions not stated): gnomAD exomes below 0.00001; TOPMed below 0.00001.
gnomAD v4.1: 1 of 1,613,822 alleles (0.000062%); highest among the groups gnomAD compares: Non-Finnish European, 0.000085%; no homozygotes.

Submission:

Labcorp Genetics (formerly Invitae), Labcorp
Classification: Uncertain significance. Last evaluated: 2023-02-16. Review status: criteria provided, single submitter. Criteria: Invitae Variant Classification Sherloc (09022015). Collection method: clinical testing. Allele origin: germline.
Comment: In summary, the available evidence is currently insufficient to determine the role of this variant in disease. Therefore, it has been classified as a Variant of Uncertain Significance. An algorithm developed to predict the effect of missense changes on protein structure and function (PolyPhen-2) suggests that this variant is likely to be tolerated. This variant has not been reported in the literature in individuals affected with CAMTA1-related conditions. This variant is not present in population databases (gnomAD no frequency). This sequence change replaces asparagine, which is neutral and polar, with aspartic acid, which is acidic and polar, at codon 459 of the CAMTA1 protein (p.Asn459Asp).